The following is an entry in ClinVar:

ClinVar aggregate classification (germline): Uncertain significance (1 of 4 stars; one submission).

Conditions:
INTS8-related disorder. Also called: INTS8-related condition.

Allele frequency attached by ClinVar (database versions not stated): gnomAD exomes below 0.00001.
gnomAD v4.1: 1 of 1,608,072 alleles (0.000062%); highest among the groups gnomAD compares: Non-Finnish European, 0.000085%; no homozygotes.

Submission:

PreventionGenetics, part of Exact Sciences
Classification: Uncertain significance for INTS8-related condition. Last evaluated: 2023-07-18. Review status: criteria provided, single submitter. Criteria: ACMG Guidelines, 2015. Collection method: clinical testing. Allele origin: germline.
Comment: The INTS8 c.2762+1G>A variant is predicted to disrupt the GT donor site and interfere with normal splicing. To our knowledge, this variant has not been reported in the literature or in a large population database, indicating this variant is rare. Although we suspect that this variant may be pathogenic, at this time, the clinical significance of this variant is uncertain due to the absence of conclusive functional and genetic evidence.

NM_017864.4(INTS8):c.2762+1G>A

Gene: INTS8 (integrator complex subunit 8; plus strand). Cytogenetic location: 8q22.1.
Variant type: single nucleotide variant.
Coding change: c.2762+1G>A on transcript NM_017864.4 (MANE Select); the canonical splice donor site of the intron after coding-DNA position 2762, G replaced by A.
Molecular consequence: splice donor variant.
Genome position (GRCh38, 1-based): chr8:94,876,148, G>A. VCF-style: chr8-94876148-G-A. GRCh37 (hg19) VCF-style: chr8-95888376-G-A.
Identifiers: ClinVar variation 2628970 (VCV002628970.1), dbSNP rs2488099266, ClinGen allele CA371734642.